The following is an entry in ClinVar:

ClinVar aggregate classification (germline): Uncertain significance. Review status: criteria provided, multiple submitters, no conflicts (2 of 4 stars). 2 submissions from 2 submitters: Uncertain significance (2). Last evaluated 2025-08-15.

Conditions:
Neuroblastoma, susceptibility to, 3. Also called: ALK-Related Neuroblastic Tumor Susceptibility. Identifiers: Orphanet 635, MedGen C2751681, MONDO:0013083, OMIM 613014.
Hereditary cancer-predisposing syndrome. Also called: Hereditary Cancer Syndrome; Hereditary neoplastic syndrome; Neoplastic Syndromes, Hereditary; Tumor predisposition. Identifiers: Orphanet 140162, MedGen C0027672, MeSH D009386, MONDO:0015356.

Allele frequency attached by ClinVar (database versions not stated): gnomAD 0.00001; ESP Exome Variant Server 0.00008.
gnomAD v4.1: 1 of 1,614,050 alleles (0.000062%); highest among the groups gnomAD compares: African/African-American, 0.0013%; no homozygotes.

Submissions (2):

Ambry Genetics
Classification: Uncertain significance for Hereditary cancer-predisposing syndrome. Last evaluated: 2025-08-15. Review status: criteria provided, single submitter. Criteria: Ambry Variant Classification Scheme 2023. Collection method: clinical testing. Allele origin: germline.
Comment: The c.3450+5G>A intronic variant results from a G to A substitution 5 nucleotides after coding exon 21 in the ALK gene. This nucleotide position is well conserved in available vertebrate species. In silico splice site analysis predicts that this alteration will not have any significant effect on splicing. Based on the available evidence, the clinical significance of this variant remains unclear.

Labcorp Genetics (formerly Invitae), Labcorp
Classification: Uncertain significance for Neuroblastoma, susceptibility to, 3. Last evaluated: 2024-06-19. Review status: criteria provided, single submitter. Criteria: Invitae Variant Classification Sherloc (09022015). Collection method: clinical testing. Allele origin: germline.
Comment: This sequence change falls in intron 21 of the ALK gene. It does not directly change the encoded amino acid sequence of the ALK protein. It affects a nucleotide within the consensus splice site. This variant is not present in population databases (gnomAD no frequency). This variant has not been reported in the literature in individuals affected with ALK-related conditions. Variants that disrupt the consensus splice site are a relatively common cause of aberrant splicing (PMID: 17576681, 9536098). Algorithms developed to predict the effect of sequence changes on RNA splicing suggest that this variant is not likely to affect RNA splicing. In summary, the available evidence is currently insufficient to determine the role of this variant in disease. Therefore, it has been classified as a Variant of Uncertain Significance.

Literature cited by the submitters: PubMed 17576681 (cited by Labcorp Genetics (formerly Invitae), Labcorp); PubMed 9536098 (cited by Labcorp Genetics (formerly Invitae), Labcorp).

NM_004304.5(ALK):c.3450+5G>A

Gene: ALK (ALK receptor tyrosine kinase; minus strand). Cytogenetic location: 2p23.2.
Variant type: single nucleotide variant.
Coding change: c.3450+5G>A on transcript NM_004304.5 (MANE Select); 5 bases into the intron after coding-DNA position 3450, G replaced by A.
Molecular consequence: intron variant.
Genome position (GRCh38, 1-based): chr2:29,222,512, C>T on the plus strand (G>A on the coding strand, the complement: ALK is on the minus strand). VCF-style: chr2-29222512-C-T. GRCh37 (hg19) VCF-style: chr2-29445378-C-T.
Other names: c.3450+5G>A (NM_004304.4); c.246+5G>A (NM_001353765.2).
Identifiers: ClinVar variation 2870403 (VCV002870403.4), dbSNP rs374926751, ClinGen allele CA44631326.